The following is an entry in ClinVar:

NM_001429.4(EP300):c.3430A>G (p.Lys1144Glu)

Gene: EP300 (EP300 lysine acetyltransferase; plus strand). Cytogenetic location: 22q13.2.
Variant type: single nucleotide variant.
Coding change: c.3430A>G on transcript NM_001429.4 (MANE Select); coding-DNA position 3430, A replaced by G.
Protein change: p.Lys1144Glu; replaces lysine 1144 with glutamic acid.
Molecular consequence: missense variant.
Genome position (GRCh38, 1-based): chr22:41,157,337, A>G. VCF-style: chr22-41157337-A-G. GRCh37 (hg19) VCF-style: chr22-41553341-A-G.
Other names: c.3352A>G, p.Lys1118Glu (NM_001362843.2); short protein forms K1118E, K1144E.
Identifiers: ClinVar variation 4996981 (VCV004996981.1).

ClinVar aggregate classification (germline): Uncertain significance (1 of 4 stars; one submission).

Conditions:
EP300-related disorder. Also called: EP300-related condition; EP300-related disorders.

Submission:

PreventionGenetics, part of Exact Sciences
Classification: Uncertain significance for EP300-related condition. Last evaluated: 2025-06-14. Review status: criteria provided, single submitter. Criteria: ACMG Guidelines, 2015. Collection method: clinical testing. Allele origin: germline.
Comment: The EP300 c.3430A>G variant is predicted to result in the amino acid substitution p.Lys1144Glu. To our knowledge, this variant has not been reported in the literature or in a large population database (gnomAD), indicating this variant is rare. At this time, the clinical significance of this variant is uncertain due to the absence of conclusive functional and genetic evidence.